The following is an entry in ClinVar:

NM_139276.3(STAT3):c.128+4A>G

Gene: STAT3 (signal transducer and activator of transcription 3; minus strand). Cytogenetic location: 17q21.2.
Variant type: single nucleotide variant.
Coding change: c.128+4A>G on transcript NM_139276.3 (MANE Select); 4 bases into the intron after coding-DNA position 128, A replaced by G.
Molecular consequence: intron variant.
Genome position (GRCh38, 1-based): chr17:42,348,385, T>C on the plus strand (A>G on the coding strand, the complement: STAT3 is on the minus strand). VCF-style: chr17-42348385-T-C. GRCh37 (hg19) VCF-style: chr17-40500403-T-C.
Other names: c.128+4A>G (NM_001384989.1, NM_001384992.1, NM_001384984.1 and 17 more transcripts).
Identifiers: ClinVar variation 4785308 (VCV004785308.1).
Genomic context (GRCh38, chr17:42,348,385, plus strand): 5'-AGTTCATGTCTCTTGACTCAAACTGAAACCTAACAATTTGGAGAGTCACTTAAGAAGGAC[T>C]TACCAATCTTGACTCTCAATCCAAGGGGCCAGAAACTGCCGCAGCTCCATTGGGAAGCTG-3'

ClinVar aggregate classification (germline): Uncertain significance (1 of 4 stars; one submission).

Conditions:
STAT3 gain of function. Identifiers: MedGen C4288261.
Hyper-IgE recurrent infection syndrome 1, autosomal dominant. Also called: JOB SYNDROME; Job's Syndrome; STAT3 Hyper IgE Syndrome; Hyper-IgE recurrent infection syndrome 1; HYPER-IgE SYNDROME 1, AUTOSOMAL DOMINANT, WITH RECURRENT INFECTIONS. Identifiers: Orphanet 2314, MedGen C2936739, MONDO:0007818, OMIM 147060.

Submission:

Labcorp Genetics (formerly Invitae), Labcorp
Classification: Uncertain significance for STAT3 gain of function; Hyper-IgE recurrent infection syndrome 1, autosomal dominant. Last evaluated: 2025-06-15. Review status: criteria provided, single submitter. Criteria: Invitae Variant Classification Sherloc (09022015). Collection method: clinical testing. Allele origin: germline.
Comment: This sequence change falls in intron 2 of the STAT3 gene. It does not directly change the encoded amino acid sequence of the STAT3 protein. It affects a nucleotide within the consensus splice site. This variant is not present in population databases (gnomAD no frequency). This variant has not been reported in the literature in individuals affected with STAT3-related conditions. Variants that disrupt the consensus splice site are a relatively common cause of aberrant splicing (PMID: 17576681, 9536098). Algorithms developed to predict the effect of sequence changes on RNA splicing suggest that this variant is not likely to affect RNA splicing. In summary, the available evidence is currently insufficient to determine the role of this variant in disease. Therefore, it has been classified as a Variant of Uncertain Significance.

Literature cited by the submitters: PubMed 17576681; PubMed 9536098.